The following is an entry in ClinVar:

NM_001966.4(EHHADH):c.1563G>A (p.Val521=)

Gene: EHHADH (enoyl-CoA hydratase and 3-hydroxyacyl CoA dehydrogenase; minus strand). Cytogenetic location: 3q27.2.
Variant type: single nucleotide variant.
Coding change: c.1563G>A on transcript NM_001966.4 (MANE Select); coding-DNA position 1563, G replaced by A.
Protein change: p.Val521=; no amino-acid change (valine 521 retained).
Molecular consequence: synonymous variant.
Genome position (GRCh38, 1-based): chr3:185,192,835, C>T on the plus strand (G>A on the coding strand, the complement: EHHADH is on the minus strand). VCF-style: chr3-185192835-C-T. GRCh37 (hg19) VCF-style: chr3-184910623-C-T.
Other names: c.1275G>A, p.Val425= (NM_001166415.2); c.1563G>A (NM_001966.3).
Identifiers: ClinVar variation 500385 (VCV000500385.8), dbSNP rs138858065, ClinGen allele CA2738956.

ClinVar aggregate classification (germline): Conflicting classifications of pathogenicity. Review status: criteria provided, conflicting classifications (1 of 4 stars). 3 submissions from 3 submitters: Uncertain significance (1); Likely benign (1). 1 of the submissions does not count toward it. Last evaluated 2024-03-04.

Conditions:
EHHADH-related disorder. Also called: EHHADH-related condition.

Allele frequency attached by ClinVar (database versions not stated): gnomAD exomes 0.00009 and 0.00019; ExAC 0.00011; gnomAD 0.00011; TOPMed 0.00013; ESP Exome Variant Server 0.00038.
gnomAD v4.1: 291 of 1,614,046 alleles (0.018%); highest among the groups gnomAD compares: Non-Finnish European, 0.024%; no homozygotes.

Submissions (3):

Blueprint Genetics
Classification: Likely benign. Last evaluated: 2024-03-04. Review status: criteria provided, single submitter. Criteria: ACMG Guidelines, 2015. Collection method: clinical testing. Allele origin: germline.

Eurofins Ntd Llc (ga)
Classification: Uncertain significance. Last evaluated: 2018-01-12. Review status: criteria provided, single submitter. Criteria: EGL Classification Definitions 2015. Collection method: clinical testing. Allele origin: germline. Observed: 2 variant alleles, 2 heterozygotes.

PreventionGenetics, part of Exact Sciences
Classification: Likely benign for EHHADH-related condition. Last evaluated: 2022-05-19. Review status: no assertion criteria provided. Collection method: clinical testing. Allele origin: germline. Not counted in ClinVar's aggregate classification.
Comment: This variant is classified as likely benign based on ACMG/AMP sequence variant interpretation guidelines (Richards et al. 2015 PMID: 25741868, with internal and published modifications).